The following is an entry in ClinVar:

ClinVar aggregate classification (germline): Uncertain significance (1 of 4 stars; one submission).

Allele frequency attached by ClinVar (database versions not stated): TOPMed below 0.00001.

Submission:

Labcorp Genetics (formerly Invitae), Labcorp
Classification: Uncertain significance. Last evaluated: 2023-11-27. Review status: criteria provided, single submitter. Criteria: Invitae Variant Classification Sherloc (09022015). Collection method: clinical testing. Allele origin: germline.
Comment: This sequence change replaces glutamine, which is neutral and polar, with glutamic acid, which is acidic and polar, at codon 1460 of the NALCN protein (p.Gln1460Glu). This variant is not present in population databases (gnomAD no frequency). This variant has not been reported in the literature in individuals affected with NALCN-related conditions. Advanced modeling of protein sequence and biophysical properties (such as structural, functional, and spatial information, amino acid conservation, physicochemical variation, residue mobility, and thermodynamic stability) performed at Invitae indicates that this missense variant is not expected to disrupt NALCN protein function with a negative predictive value of 80%. In summary, the available evidence is currently insufficient to determine the role of this variant in disease. Therefore, it has been classified as a Variant of Uncertain Significance.

NM_052867.4(NALCN):c.4378C>G (p.Gln1460Glu)

Gene: NALCN (sodium leak channel, non-selective; minus strand). Cytogenetic location: 13q32.3.
Variant type: single nucleotide variant.
Coding change: c.4378C>G on transcript NM_052867.4 (MANE Select); coding-DNA position 4378, C replaced by G.
Protein change: p.Gln1460Glu; replaces glutamine 1460 with glutamic acid.
Molecular consequence: missense variant.
Genome position (GRCh38, 1-based): chr13:101,067,986, G>C on the plus strand (C>G on the coding strand, the complement: NALCN is on the minus strand). VCF-style: chr13-101067986-G-C. GRCh37 (hg19) VCF-style: chr13-101720338-G-C.
Other names: c.4465C>G, p.Gln1489Glu (NM_001350748.2); c.4378C>G, p.Gln1460Glu (NM_001350749.2); c.4291C>G, p.Gln1431Glu (NM_001350750.2, NM_001350751.2); short protein forms Q1431E, Q1460E, Q1489E.
Identifiers: ClinVar variation 2808675 (VCV002808675.3), dbSNP rs1335710703, ClinGen allele CA388646569.